The following is an entry in ClinVar:

ClinVar aggregate classification (germline): Pathogenic (1 of 4 stars; one submission).

Allele frequency attached by ClinVar (database versions not stated): gnomAD exomes below 0.00001; gnomAD 0.00001; TOPMed 0.00001.
gnomAD v4.1: 6 of 1,612,202 alleles (0.00037%); highest among the groups gnomAD compares: Non-Finnish European, 0.00051%; no homozygotes.

Submission:

Labcorp Genetics (formerly Invitae), Labcorp
Classification: Pathogenic. Last evaluated: 2023-03-30. Review status: criteria provided, single submitter. Criteria: Invitae Variant Classification Sherloc (09022015). Collection method: clinical testing. Allele origin: germline.
Comment: This sequence change creates a premature translational stop signal (p.Gln269*) in the ILDR1 gene. It is expected to result in an absent or disrupted protein product. Loss-of-function variants in ILDR1 are known to be pathogenic (PMID: 21255762). For these reasons, this variant has been classified as Pathogenic. ClinVar contains an entry for this variant (Variation ID: 1901581). This variant has not been reported in the literature in individuals affected with ILDR1-related conditions. This variant is present in population databases (no rsID available, gnomAD 0.0009%).

Literature cited by the submitters: PubMed 21255762.

NM_001199799.2(ILDR1):c.805C>T (p.Gln269Ter)

Gene: ILDR1 (immunoglobulin like domain containing receptor 1; minus strand). Cytogenetic location: 3q13.33.
Variant type: single nucleotide variant.
Coding change: c.805C>T on transcript NM_001199799.2 (MANE Select); coding-DNA position 805, C replaced by T.
Protein change: p.Gln269Ter; replaces glutamine 269 with a stop codon.
Molecular consequence: nonsense.
Genome position (GRCh38, 1-based): chr3:121,993,944, G>A on the plus strand (C>T on the coding strand, the complement: ILDR1 is on the minus strand). VCF-style: chr3-121993944-G-A. GRCh37 (hg19) VCF-style: chr3-121712791-G-A.
Other names: c.538C>T, p.Gln180Ter (NM_001199800.2); c.673C>T, p.Gln225Ter (NM_175924.4); short protein forms Q269*, Q180*, Q225*.
Identifiers: ClinVar variation 1901581 (VCV001901581.5), dbSNP rs1280341996, ClinGen allele CA354144517.